The following is an entry in ClinVar:

ClinVar aggregate classification (germline): Uncertain significance (1 of 4 stars; one submission).

Conditions:
Cone-rod dystrophy 13 (CORD13). Identifiers: Orphanet 1872, MedGen C2750720, MONDO:0011987, OMIM 608194.
Leber congenital amaurosis 6 (LCA6). Identifiers: Orphanet 65, MedGen C1854260, MONDO:0013446, OMIM 613826.

Submission:

Labcorp Genetics (formerly Invitae), Labcorp
Classification: Uncertain significance for Leber congenital amaurosis 6; Cone-rod dystrophy 13. Last evaluated: 2021-12-08. Review status: criteria provided, single submitter. Criteria: Invitae Variant Classification Sherloc (09022015). Collection method: clinical testing. Allele origin: germline.
Comment: In summary, the available evidence is currently insufficient to determine the role of this variant in disease. Therefore, it has been classified as a Variant of Uncertain Significance. Algorithms developed to predict the effect of sequence changes on RNA splicing suggest that this variant may create or strengthen a splice site. Algorithms developed to predict the effect of missense changes on protein structure and function are either unavailable or do not agree on the potential impact of this missense change (SIFT: "Tolerated"; PolyPhen-2: "Probably Damaging"; Align-GVGD: "Class C0"). This variant has not been reported in the literature in individuals affected with RPGRIP1-related conditions. This variant is not present in population databases (gnomAD no frequency). This sequence change replaces histidine, which is basic and polar, with glutamine, which is neutral and polar, at codon 1174 of the RPGRIP1 protein (p.His1174Gln).

NM_020366.4(RPGRIP1):c.3522C>G (p.His1174Gln)

Gene: RPGRIP1 (RPGR interacting protein 1; plus strand). Cytogenetic location: 14q11.2.
Variant type: single nucleotide variant.
Coding change: c.3522C>G on transcript NM_020366.4 (MANE Select); coding-DNA position 3522, C replaced by G.
Protein change: p.His1174Gln; replaces histidine 1174 with glutamine.
Molecular consequence: missense variant.
Genome position (GRCh38, 1-based): chr14:21,343,218, C>G. VCF-style: chr14-21343218-C-G. GRCh37 (hg19) VCF-style: chr14-21811377-C-G.
Other names: c.1500C>G, p.His500Gln (NM_001377523.1, NM_001377950.1); c.2448C>G, p.His816Gln (NM_001377948.1); c.1608C>G, p.His536Gln (NM_001377949.1); c.1005C>G, p.His335Gln (NM_001377951.1); short protein forms H335Q, H536Q, H816Q, H1174Q, H500Q.
Identifiers: ClinVar variation 2038094 (VCV002038094.4), dbSNP rs2502951177, ClinGen allele CA388857300.